The following is an entry in ClinVar:

ClinVar aggregate classification (germline): Uncertain significance (1 of 4 stars; one submission).

Conditions:
Aicardi-Goutieres syndrome 7 (AGS7). Identifiers: Orphanet 51, MedGen C3888244, MONDO:0014367, OMIM 615846.
Singleton-Merten syndrome 1 (SGMRT1). Also called: Widened medullary cavities of bone, aortic calcification, abnormal dentition, and muscular weakness; Syndrome of widened medullary cavities of the metacarpals and phalanges, aortic calcification and abnormal dentition. Identifiers: Orphanet 85191, MedGen C4225427, MONDO:0024535, OMIM 182250.

Allele frequency attached by ClinVar (database versions not stated): gnomAD exomes 0.00001 and below 0.00001; gnomAD 0.00001; ExAC 0.00002; TOPMed below 0.00001; 1000 Genomes Project 30x 0.00016; 1000 Genomes Project 0.00020.
gnomAD v4.1: 7 of 1,613,870 alleles (0.00043%); highest among the groups gnomAD compares: South Asian, 0.0011%; no homozygotes.

Submission:

Labcorp Genetics (formerly Invitae), Labcorp
Classification: Uncertain significance for Aicardi-Goutieres syndrome 7; Singleton-Merten syndrome 1. Last evaluated: 2025-06-09. Review status: criteria provided, single submitter. Criteria: Invitae Variant Classification Sherloc (09022015). Collection method: clinical testing. Allele origin: germline.
Comment: This sequence change replaces valine, which is neutral and non-polar, with alanine, which is neutral and non-polar, at codon 215 of the IFIH1 protein (p.Val215Ala). This variant is present in population databases (rs546097679, gnomAD 0.006%). This variant has not been reported in the literature in individuals affected with IFIH1-related conditions. ClinVar contains an entry for this variant (Variation ID: 1365117). Invitae Evidence Modeling incorporating data from in vitro experimental studies (internal data) indicates that this missense variant is not expected to disrupt IFIH1 function with a negative predictive value of 80%. In summary, the available evidence is currently insufficient to determine the role of this variant in disease. Therefore, it has been classified as a Variant of Uncertain Significance.

NM_022168.4(IFIH1):c.644T>C (p.Val215Ala)

Gene: IFIH1 (interferon induced with helicase C domain 1; minus strand). Cytogenetic location: 2q24.2.
Variant type: single nucleotide variant.
Coding change: c.644T>C on transcript NM_022168.4 (MANE Select); coding-DNA position 644, T replaced by C.
Protein change: p.Val215Ala; replaces valine 215 with alanine.
Molecular consequence: missense variant.
Genome position (GRCh38, 1-based): chr2:162,306,834, A>G on the plus strand (T>C on the coding strand, the complement: IFIH1 is on the minus strand). VCF-style: chr2-162306834-A-G. GRCh37 (hg19) VCF-style: chr2-163163344-A-G.
Other names: short protein forms V215A.
Identifiers: ClinVar variation 1365117 (VCV001365117.8), dbSNP rs546097679, ClinGen allele CA1934749.